The following is an entry in ClinVar:

NM_002617.4(PEX10):c.107T>G (p.Leu36Arg)

Gene: PEX10 (peroxisomal biogenesis factor 10; minus strand). Cytogenetic location: 1p36.32.
Variant type: single nucleotide variant.
Coding change: c.107T>G on transcript NM_002617.4 (MANE Select); coding-DNA position 107, T replaced by G.
Protein change: p.Leu36Arg; replaces leucine 36 with arginine.
Molecular consequence: missense variant. On other transcripts: intron variant (2).
Genome position (GRCh38, 1-based): chr1:2,412,396, A>C on the plus strand (T>G on the coding strand, the complement: PEX10 is on the minus strand). VCF-style: chr1-2412396-A-C. GRCh37 (hg19) VCF-style: chr1-2343835-A-C.
Other names: c.107T>G, p.Leu36Arg (NM_001374425.1, NM_153818.2); c.-321+1201T>G (NM_001374427.1, NM_001374426.1); short protein forms L36R.
Identifiers: ClinVar variation 3022995 (VCV003022995.3), dbSNP rs2522305893, ClinGen allele CA337990329.

ClinVar aggregate classification (germline): Uncertain significance (1 of 4 stars; one submission).

Conditions:
Peroxisome biogenesis disorder, complementation group 7 (CG7). Also called: Peroxisome biogenesis disorder, complementation group B. Identifiers: MedGen C1864399.

Submission:

Labcorp Genetics (formerly Invitae), Labcorp
Classification: Uncertain significance for Peroxisome biogenesis disorder, complementation group 7. Last evaluated: 2024-01-18. Review status: criteria provided, single submitter. Criteria: Invitae Variant Classification Sherloc (09022015). Collection method: clinical testing. Allele origin: germline.
Comment: This sequence change replaces leucine, which is neutral and non-polar, with arginine, which is basic and polar, at codon 36 of the PEX10 protein (p.Leu36Arg). This variant is not present in population databases (gnomAD no frequency). This variant has not been reported in the literature in individuals affected with PEX10-related conditions. An algorithm developed to predict the effect of missense changes on protein structure and function (PolyPhen-2) suggests that this variant is likely to be disruptive. Algorithms developed to predict the effect of sequence changes on RNA splicing suggest that this variant may disrupt the consensus splice site. In summary, the available evidence is currently insufficient to determine the role of this variant in disease. Therefore, it has been classified as a Variant of Uncertain Significance.